The following is an entry in ClinVar:

NM_017763.6(RNF43):c.584C>T (p.Pro195Leu)

Gene: RNF43 (ring finger protein 43; minus strand). Cytogenetic location: 17q22.
Variant type: single nucleotide variant.
Coding change: c.584C>T on transcript NM_017763.6 (MANE Select); coding-DNA position 584, C replaced by T.
Protein change: p.Pro195Leu; replaces proline 195 with leucine.
Molecular consequence: missense variant.
Genome position (GRCh38, 1-based): chr17:58,362,647, G>A on the plus strand (C>T on the coding strand, the complement: RNF43 is on the minus strand). VCF-style: chr17-58362647-G-A. GRCh37 (hg19) VCF-style: chr17-56440008-G-A.
Other names: c.584C>T, p.Pro195Leu (NM_001305544.3); c.203C>T, p.Pro68Leu (NM_001305545.2); short protein forms P195L, P68L.
Identifiers: ClinVar variation 3369863 (VCV003369863.3).

ClinVar aggregate classification (germline): Uncertain significance. Review status: criteria provided, multiple submitters, no conflicts (2 of 4 stars). 2 submissions from 2 submitters: Uncertain significance (2). Last evaluated 2025-06-26.

Conditions:
Sessile serrated polyposis cancer syndrome (SSPCS). Identifiers: Orphanet 157798, MedGen C4310714, MONDO:0014919, OMIM 617108.

Submissions (2):

GeneDx
Classification: Uncertain significance. Last evaluated: 2025-06-26. Review status: criteria provided, single submitter. Criteria: GeneDx Variant Classification Process June 2021. Collection method: clinical testing. Allele origin: germline.
Comment: Not observed at significant frequency in large population cohorts (gnomAD); In silico analysis supports that this missense variant has a deleterious effect on protein structure/function; Has not been previously published as pathogenic or benign to our knowledge

Fulgent Genetics
Classification: Uncertain significance for Sessile serrated polyposis cancer syndrome. Last evaluated: 2024-05-08. Review status: criteria provided, single submitter. Criteria: ACMG Guidelines, 2015. Collection method: clinical testing. Allele origin: germline.